The following is an entry in ClinVar:

NM_000038.6(APC):c.532-4_532-3dup

Gene: APC (APC regulator of Wnt signaling pathway; plus strand). Cytogenetic location: 5q22.2.
Variant type: Duplication.
Coding change: c.532-4_532-3dup on transcript NM_000038.6 (MANE Select); 4 bases into the intron before coding-DNA position 532 through 3 bases into the intron before coding-DNA position 532, 2 bases duplicated (TT; older notation c.532-4_532-3dupTT).
Molecular consequence: intron variant.
Genome position (GRCh38, 1-based): chr5:112,780,786-112,780,787, TT duplicated; duplicating any 2 consecutive bases within chr5:112,780,784-112,780,787 gives the same sequence; the c. name uses the placement nearest the transcript's 3' end. VCF-style (leftmost placement, unchanged base first): chr5-112780783-G-GTT. GRCh37 (hg19) VCF-style: chr5-112116480-G-GTT.
Other names: c.532-4_532-3dup (NM_001354895.2, NM_001127510.3, NM_001354896.2 and 2 more transcripts); c.562-4_562-3dup (NM_001354897.2, NM_001354902.2, NM_001127511.3); c.457-4_457-3dup (NM_001354898.2, NM_001354904.2); c.-504-4_-504-3dup (NM_001354906.2); c.355-4_355-3dup (NM_001354900.2, NM_001354901.2, NM_001354905.2).
Identifiers: ClinVar variation 1746840 (VCV001746840.2), dbSNP rs2532484440, ClinGen allele CA2580072335.

ClinVar aggregate classification (germline): Uncertain significance (1 of 4 stars; one submission).

Conditions:
Hereditary cancer-predisposing syndrome. Also called: Hereditary Cancer Syndrome; Neoplastic Syndromes, Hereditary; Tumor predisposition; Hereditary neoplastic syndrome. Identifiers: Orphanet 140162, MedGen C0027672, MeSH D009386, MONDO:0015356.

Submission:

Ambry Genetics
Classification: Uncertain significance for Hereditary cancer-predisposing syndrome. Last evaluated: 2022-01-26. Review status: criteria provided, single submitter. Criteria: Ambry Variant Classification Scheme 2023. Collection method: clinical testing. Allele origin: germline.
Comment: The c.532-4_532-3dupTT intronic variant, results from a duplication of 2 nucleotides at nucleotide position 532 before intron 4 of the APC gene. This nucleotide position is not well conserved in available vertebrate species. In silico splice site analysis predicts that this alteration will not have any significant effect on splicing, however, direct evidence is insufficient at this time (Ambry internal data). Since supporting evidence is limited at this time, the clinical significance of this alteration remains unclear.